The following is an entry in ClinVar:

ClinVar aggregate classification (germline): Pathogenic/Likely pathogenic. Review status: criteria provided, multiple submitters, no conflicts (2 of 4 stars). 2 submissions from 2 submitters: Pathogenic (1); Likely pathogenic (1). Last evaluated 2025-03-05.

Conditions:
Hermansky-Pudlak syndrome (HPS). Also called: ALBINISM WITH HEMORRHAGIC DIATHESIS AND PIGMENTED RETICULOENDOTHELIAL CELLS. Identifiers: Orphanet 79430, MedGen C0079504, MONDO:0019312.

Submissions (2):

Natera, Inc.
Classification: Likely pathogenic for Hermansky-Pudlak syndrome. Last evaluated: 2025-03-05. Review status: criteria provided, single submitter. Criteria: Natera Variant Classification Schema (03/2026). Collection method: clinical testing. Allele origin: germline.
Comment: The c.937G>A variant in HPS1 is a missense variant predicted to cause substitution of glycine to serine at amino acid 313. This variant is rare in the general population with a frequency below the threshold expected for the associated phenotype(s). This variant has been observed in one or more individuals affected with the associated recessive disease, as either homozygous or compound heterozygous with a second variant (PMID: 20662851). Functional studies show that this variant may disrupt protein function (PMID: 20662851). Computational prediction algorithms indicate this variant is likely to affect gene or protein function. Given the available evidence, this variant is classified as Likely Pathogenic.

Labcorp Genetics (formerly Invitae), Labcorp
Classification: Pathogenic. Last evaluated: 2023-12-30. Review status: criteria provided, single submitter. Criteria: Invitae Variant Classification Sherloc (09022015). Collection method: clinical testing. Allele origin: germline.
Comment: This sequence change replaces glycine, which is neutral and non-polar, with serine, which is neutral and polar, at codon 313 of the HPS1 protein (p.Gly313Ser). RNA analysis indicates that this missense change induces altered splicing and may result in an absent or disrupted protein product. This variant is not present in population databases (gnomAD no frequency). This missense change has been observed in individual(s) with clinical features of Hermansky-Pudlak syndrome (PMID: 20662851; Invitae). ClinVar contains an entry for this variant (Variation ID: 1416237). An algorithm developed to predict the effect of missense changes on protein structure and function (PolyPhen-2) suggests that this variant is likely to be disruptive. Variants that disrupt the consensus splice site are a relatively common cause of aberrant splicing (PMID: 17576681, 9536098). Studies have shown that this missense change results in activation of a cryptic splice site and introduces a premature termination codon (PMID: 20662851). The resulting mRNA is expected to undergo nonsense-mediated decay. For these reasons, this variant has been classified as Pathogenic.

Literature cited by the submitters: PubMed 20662851 (cited by Natera, Inc. and Labcorp Genetics (formerly Invitae), Labcorp); PubMed 17576681 (cited by Labcorp Genetics (formerly Invitae), Labcorp); PubMed 9536098 (cited by Labcorp Genetics (formerly Invitae), Labcorp).

NM_000195.5(HPS1):c.937G>A (p.Gly313Ser)

Gene: HPS1 (HPS1 biogenesis of lysosomal organelles complex 3 subunit 1; minus strand). Cytogenetic location: 10q24.2.
Variant type: single nucleotide variant.
Coding change: c.937G>A on transcript NM_000195.5 (MANE Select); coding-DNA position 937, G replaced by A.
Protein change: p.Gly313Ser; replaces glycine 313 with serine.
Molecular consequence: missense variant. On other transcripts: 5 prime UTR variant (3), synonymous variant (2).
Genome position (GRCh38, 1-based): chr10:98,429,573, C>T on the plus strand (G>A on the coding strand, the complement: HPS1 is on the minus strand). VCF-style: chr10-98429573-C-T. GRCh37 (hg19) VCF-style: chr10-100189330-C-T.
Other names: c.-36G>A (NM_001311345.2, NM_001322487.2, NM_001322489.2); c.937G>A, p.Gly313Ser (NM_001322476.2, NM_001322477.2, NM_182639.4); c.838G>A, p.Gly280Ser (NM_001322478.2, NM_001322479.2, NM_001322491.2); c.676G>A, p.Gly226Ser (NM_001322480.2, NM_001322481.2); c.577G>A, p.Gly193Ser (NM_001322482.2); c.568G>A, p.Gly190Ser (NM_001322483.2, NM_001322484.2); c.469G>A, p.Gly157Ser (NM_001322485.2); c.819G>A, p.Gln273= (NM_001322490.2); and 2 more; short protein forms G226S, G313S, G190S, G280S, G157S, G193S.
Identifiers: ClinVar variation 1416237 (VCV001416237.12), dbSNP rs962689701, ClinGen allele CA212766227.